The following is an entry in ClinVar:

NM_003560.4(PLA2G6):c.439G>A (p.Ala147Thr)

Gene: PLA2G6 (phospholipase A2 group VI; minus strand). Cytogenetic location: 22q13.1.
Variant type: single nucleotide variant.
Coding change: c.439G>A on transcript NM_003560.4 (MANE Select); coding-DNA position 439, G replaced by A.
Protein change: p.Ala147Thr; replaces alanine 147 with threonine.
Molecular consequence: missense variant. On other transcripts: 5 prime UTR variant (3).
Genome position (GRCh38, 1-based): chr22:38,143,275, C>T on the plus strand (G>A on the coding strand, the complement: PLA2G6 is on the minus strand). VCF-style: chr22-38143275-C-T. GRCh37 (hg19) VCF-style: chr22-38539282-C-T.
Other names: c.439G>A, p.Ala147Thr (NM_001004426.3, NM_001199562.3, NM_001349864.2 and 2 more transcripts); c.-96G>A (NM_001349867.2, NM_001349869.2); c.-52G>A (NM_001349868.2); short protein forms A147T.
Identifiers: ClinVar variation 341647 (VCV000341647.15), dbSNP rs138672490, ClinGen allele CA10231251.
Genomic context (GRCh38, chr22:38,143,275, plus strand): 5'-TCTCCCCATCACCCTTGCGGCAGGCCAGGTGCAGGGGTGTGCAGCCCTCCTCGTTCTCCG[C>T]GCAATTGGCACAGCTGCAGGAGAGGGCCAGGGTGAGCAGAGGTGAGCAGGTGTGGTACAA-3'
Protein context (NP_003551.2, residues 137-157): HSRIISCANC[Ala147Thr]ENEEGCTPLH

ClinVar aggregate classification (germline): Uncertain significance. Review status: criteria provided, multiple submitters, no conflicts (2 of 4 stars). 5 submissions from 5 submitters: Uncertain significance (5). Last evaluated 2025-05-27.

Conditions:
Infantile neuroaxonal dystrophy (NBIA2A). Also called: Infantile neuroaxonal dystrophy 1; NEURODEGENERATION WITH BRAIN IRON ACCUMULATION 2A; SEITELBERGER DISEASE. Identifiers: Orphanet 35069, MedGen C0270724, MONDO:0024457, OMIM 256600.
Neurodegeneration with brain iron accumulation 2B. Also called: NEUROAXONAL DYSTROPHY, ATYPICAL; NEURODEGENERATION WITH BRAIN IRON ACCUMULATION, PLA2G6-RELATED; aNAD; atypical Neuroaxonal Dystrophy (aNAD). Identifiers: Orphanet 35069, MedGen C1857747, MONDO:0012444, OMIM 610217.
Autosomal recessive Parkinson disease 14. Also called: DYSTONIA-PARKINSONISM, ADULT-ONSET; PARKINSON DISEASE 14. Identifiers: Orphanet 199351, MedGen C2751842, MONDO:0013060, OMIM 612953.

Allele frequency attached by ClinVar (database versions not stated): 1000 Genomes Project 0.00020; gnomAD exomes 0.00009 and 0.00013; 1000 Genomes Project 30x 0.00016; gnomAD 0.00020; ExAC 0.00011; TOPMed 0.00018; ESP Exome Variant Server 0.00046.
gnomAD v4.1: 169 of 1,612,430 alleles (0.01%); highest among the groups gnomAD compares: Admixed American, 0.028%; no homozygotes.

Submissions (5):

GeneDx
Classification: Uncertain significance. Last evaluated: 2025-05-27. Review status: criteria provided, single submitter. Criteria: GeneDx Variant Classification Process June 2021. Collection method: clinical testing. Allele origin: germline. Affected: yes.
Comment: Reported previously in an individual with infantile neuroaxonal dystrophy who also harbored a second variant in the PLA2G6 gene; however, parental studies and segregation information were not provided (PMID: 16783378, 18799783); The same genotype reported in PMID: 16783378 has subsequently been reported in the same chromosome (in cis) of two asymptomatic individuals who had a reported family history of infantile neuroaxonal dystrophy (PMID: 33361639); Reported previously as a heterozygous likely benign variant in a patient with early-onset Parkinson disease; however, no further clinical information was provided and the patient also harbored a heterozygous variant in a separate gene (PMID: 37750340); In silico analysis suggests that this missense variant does not alter protein structure/function; This variant is associated with the following publications: (PMID: 31894249, 27467583, 26740555, 27149842, 28719003, 39425167, 16783378, 18799783, 37750340, 35803092, 33361639)

Women's Health and Genetics/Laboratory Corporation of America, LabCorp
Classification: Uncertain significance. Last evaluated: 2024-12-20. Review status: criteria provided, single submitter. Criteria: LabCorp Variant Classification Summary - May 2015. Collection method: clinical testing. Allele origin: germline.
Comment: Variant summary: PLA2G6 c.439G>A (p.Ala147Thr) results in a non-conservative amino acid change in the encoded protein sequence. Four of five in-silico tools predict a benign effect of the variant on protein function. The variant allele was found at a frequency of 0.00013 in 249792 control chromosomes. This frequency is not significantly higher than estimated for a pathogenic variant in PLA2G6 causing Neurodegeneration With Brain Iron Accumulation (0.00013 vs 0.00085), allowing no conclusion about variant significance. c.439G>A has been reported in the literature as a compound heterozygous genotype in at-least one individual affected with features of Neurodegeneration With Brain Iron Accumulation such as infantile neuroaxonal dystrophy (INAD) and has been subsequently cited by others (example, Morgan_2006, Kapoor_2016). However, the same compound heterozygous genotype reported in this individual has subsequently been reported in the same chromosome (in cis) of two asymptomatic individuals who had a reported family history of infantile neuroaxonal dystrophy (example, Allouche_2020). The authors concluded that these variants are not responsible for the associated phenotype of autosomal recessive infantile neuroaxonal dystrophy. Therefore, these report(s) do not provide unequivocal conclusions about association of the variant with Neurodegeneration With Brain Iron Accumulation and/or INAD. To our knowledge, no experimental evidence demonstrating an impact on protein function has been reported. The following publications have been ascertained in the context of this evaluation (PMID: 33361639, 27196560, 16783378, 37750340). ClinVar contains an entry for this variant (Variation ID: 341647). Based on the evidence outlined above, the variant was classified as uncertain significance.

Labcorp Genetics (formerly Invitae), Labcorp
Classification: Uncertain significance for Infantile neuroaxonal dystrophy. Last evaluated: 2022-08-07. Review status: criteria provided, single submitter. Criteria: Invitae Variant Classification Sherloc (09022015). Collection method: clinical testing. Allele origin: germline.
Comment: This sequence change replaces alanine, which is neutral and non-polar, with threonine, which is neutral and polar, at codon 147 of the PLA2G6 protein (p.Ala147Thr). This variant is present in population databases (rs138672490, gnomAD 0.03%). This missense change has been observed in individual(s) with infantile neuroaxonal dystrophy (PMID: 16783378). ClinVar contains an entry for this variant (Variation ID: 341647). Advanced modeling of protein sequence and biophysical properties (such as structural, functional, and spatial information, amino acid conservation, physicochemical variation, residue mobility, and thermodynamic stability) performed at Invitae indicates that this missense variant is not expected to disrupt PLA2G6 protein function. In summary, the available evidence is currently insufficient to determine the role of this variant in disease. Therefore, it has been classified as a Variant of Uncertain Significance.

Fulgent Genetics
Classification: Uncertain significance for Infantile neuroaxonal dystrophy; Neurodegeneration with brain iron accumulation 2B; Autosomal recessive Parkinson disease 14. Last evaluated: 2022-01-17. Review status: criteria provided, single submitter. Criteria: ACMG Guidelines, 2015. Collection method: clinical testing. Allele origin: unknown.

Athena Diagnostics
Classification: Uncertain significance. Last evaluated: 2019-03-05. Review status: criteria provided, single submitter. Criteria: Athena Diagnostics Criteria. Collection method: clinical testing. Allele origin: germline.

Literature cited by the submitters: PubMed 27196560 (cited by Women's Health and Genetics/Laboratory Corporation of America, LabCorp); PubMed 16783378 (cited by 3 submitters); PubMed 33361639 (cited by Women's Health and Genetics/Laboratory Corporation of America, LabCorp); PubMed 37750340 (cited by Women's Health and Genetics/Laboratory Corporation of America, LabCorp).